The following is an entry in ClinVar:

NM_024818.6(UBA5):c.164G>A (p.Arg55His)

Genes: NPHP3-ACAD11 (NPHP3-ACAD11 readthrough (NMD candidate); minus strand), UBA5 (ubiquitin like modifier activating enzyme 5; plus strand). Cytogenetic location: 3q22.1.
Variant type: single nucleotide variant.
Coding change: c.164G>A on transcript NM_024818.6 (MANE Select); coding-DNA position 164, G replaced by A.
Protein change: p.Arg55His; replaces arginine 55 with histidine.
Molecular consequence: missense variant. On other transcripts: 5 prime UTR variant (2), intron variant (2).
Genome position (GRCh38, 1-based): chr3:132,665,825, G>A. VCF-style: chr3-132665825-G-A. GRCh37 (hg19) VCF-style: chr3-132384669-G-A.
Other names: c.-5G>A (NM_001320210.2, NM_198329.4); c.-39-2993G>A (NM_001321239.1); c.28-2993G>A (NM_001321238.2); short protein forms R55H.
Identifiers: ClinVar variation 265746 (VCV000265746.11), dbSNP rs774318611, ClinGen allele CA2621285.
Genomic context (GRCh38, chr3:132,665,825, plus strand): 5'-TGTATTACTAATACCTAAAAGACTGTAAGCTTTAAAACATATTTTTCTTTGTTTTAAGCC[G>A]CTTGATGGCATTGAAACGAATGGGAATTGTAAGCGACTATGAGGTATGATAAACCCTTTC-3'
Protein context (NP_079094.1, residues 45-65): SEVVDSNPYS[Arg55His]LMALKRMGIV

ClinVar aggregate classification (germline): Pathogenic. Review status: criteria provided, multiple submitters, no conflicts (2 of 4 stars). 3 submissions from 3 submitters: Pathogenic (2). 1 of the submissions does not count toward it. Last evaluated 2024-02-26.

Conditions:
Developmental and epileptic encephalopathy, 44 (DEE44). Also called: Epileptic encephalopathy, early infantile, 44. Identifiers: MedGen C4310700, MONDO:0014933, OMIM 617132.

Allele frequency attached by ClinVar (database versions not stated): gnomAD exomes 0.00001; ExAC 0.00001.
gnomAD v4.1: 8 of 1,613,182 alleles (0.0005%); highest among the groups gnomAD compares: East Asian, 0.0045%; no homozygotes.

Submissions (3):

GeneDx
Classification: Pathogenic. Last evaluated: 2024-02-26. Review status: criteria provided, single submitter. Criteria: GeneDx Variant Classification Process June 2021. Collection method: clinical testing. Allele origin: germline. Affected: yes.
Comment: Published functional studies demonstrate reduced UBA5 activity (PMID: 27545674); Not observed at significant frequency in large population cohorts (gnomAD); In silico analysis supports that this missense variant has a deleterious effect on protein structure/function; This variant is associated with the following publications: (PMID: 27545674, 29286531)

Labcorp Genetics (formerly Invitae), Labcorp
Classification: Pathogenic. Last evaluated: 2024-02-23. Review status: criteria provided, single submitter. Criteria: Invitae Variant Classification Sherloc (09022015). Collection method: clinical testing. Allele origin: germline.
Comment: This sequence change replaces arginine with histidine at codon 55 of the UBA5 protein (p.Arg55His). The arginine residue is highly conserved and there is a small physicochemical difference between arginine and histidine. This variant is present in population databases (rs774318611, gnomAD 0.0009%). This missense change has been observed in individual(s) with early infantile epileptic encephalopathy (PMID: 27545674, 29286531). In at least one individual the data is consistent with being in trans (on the opposite chromosome) from a pathogenic variant. It has also been observed to segregate with disease in related individuals. ClinVar contains an entry for this variant (Variation ID: 265746). An algorithm developed to predict the effect of missense changes on protein structure and function (PolyPhen-2) suggests that this variant is likely to be disruptive. Experimental studies have shown that this missense change affects UBA5 function (PMID: 27545674). For these reasons, this variant has been classified as Pathogenic.

OMIM
Classification: Pathogenic for DEVELOPMENTAL AND EPILEPTIC ENCEPHALOPATHY 44. Last evaluated: 2020-11-10. Review status: no assertion criteria provided. Collection method: literature only. Allele origin: germline. Not counted in ClinVar's aggregate classification.

Literature cited by the submitters: PubMed 27545674 (cited by Labcorp Genetics (formerly Invitae), Labcorp and OMIM); PubMed 29286531 (cited by Labcorp Genetics (formerly Invitae), Labcorp).